The following is an entry in ClinVar:

ClinVar aggregate classification (germline): Pathogenic (1 of 4 stars; one submission).

Conditions:
Vici syndrome (VICIS). Identifiers: Orphanet 1493, MedGen C1855772, MONDO:0009452, OMIM 242840.

Submission:

Labcorp Genetics (formerly Invitae), Labcorp
Classification: Pathogenic for Vici syndrome. Last evaluated: 2023-04-24. Review status: criteria provided, single submitter. Criteria: Invitae Variant Classification Sherloc (09022015). Collection method: clinical testing. Allele origin: germline.
Comment: This variant has not been reported in the literature in individuals affected with EPG5-related conditions. For these reasons, this variant has been classified as Pathogenic. This variant is not present in population databases (gnomAD no frequency). This sequence change creates a premature translational stop signal (p.Gln913*) in the EPG5 gene. It is expected to result in an absent or disrupted protein product. Loss-of-function variants in EPG5 are known to be pathogenic (PMID: 23222957, 23674064).

Literature cited by the submitters: PubMed 23222957; PubMed 23674064.

NM_020964.3(EPG5):c.2737C>T (p.Gln913Ter)

Gene: EPG5 (ectopic P-granules 5 autophagy tethering factor; minus strand). Cytogenetic location: 18q21.1.
Variant type: single nucleotide variant.
Coding change: c.2737C>T on transcript NM_020964.3 (MANE Select); coding-DNA position 2737, C replaced by T.
Protein change: p.Gln913Ter; replaces glutamine 913 with a stop codon.
Molecular consequence: nonsense.
Genome position (GRCh38, 1-based): chr18:45,923,369, G>A on the plus strand (C>T on the coding strand, the complement: EPG5 is on the minus strand). VCF-style: chr18-45923369-G-A. GRCh37 (hg19) VCF-style: chr18-43503335-G-A.
Other names: c.2737C>T, p.Gln913Ter (NM_001410858.1, NM_001410859.1); short protein forms Q913*.
Identifiers: ClinVar variation 2858767 (VCV002858767.3), dbSNP rs2511869120, ClinGen allele CA402345337.